The following is an entry in ClinVar:

ClinVar aggregate classification (germline): Uncertain significance (1 of 4 stars; one submission).

Conditions:
Early-infantile DEE. Also called: Early infantile epileptic encephalopathy; Ohtahara syndrome; Early infantile epileptic encephalopathy with suppression bursts. Identifiers: Orphanet 1934, MedGen C0393706, MONDO:0800491.

Submission:

Labcorp Genetics (formerly Invitae), Labcorp
Classification: Uncertain significance for Early-infantile DEE. Last evaluated: 2021-08-09. Review status: criteria provided, single submitter. Criteria: Invitae Variant Classification Sherloc (09022015). Collection method: clinical testing. Allele origin: germline.
Comment: This sequence change replaces alanine with glutamic acid at codon 1653 of the SCN1A protein (p.Ala1653Glu). The alanine residue is highly conserved and there is a moderate physicochemical difference between alanine and glutamic acid. This variant is not present in population databases (ExAC no frequency). This missense change has been observed in individual(s) with borderline Dravet syndrome (PMID: 21248271). Advanced modeling of protein sequence and biophysical properties (such as structural, functional, and spatial information, amino acid conservation, physicochemical variation, residue mobility, and thermodynamic stability) performed at Invitae indicates that this missense variant is expected to disrupt SCN1A protein function. In summary, the available evidence is currently insufficient to determine the role of this variant in disease. Therefore, it has been classified as a Variant of Uncertain Significance.

Literature cited by the submitters: PubMed 21248271.

NM_001165963.4(SCN1A):c.4958C>A (p.Ala1653Glu)

Genes: SCN1A (sodium voltage-gated channel alpha subunit 1; minus strand), LOC102724058 (uncharacterized LOC102724058; plus strand). Cytogenetic location: 2q24.3.
Variant type: single nucleotide variant.
Coding change: c.4958C>A on transcript NM_001165963.4 (MANE Select); coding-DNA position 4958, C replaced by A.
Protein change: p.Ala1653Glu; replaces alanine 1653 with glutamic acid.
Molecular consequence: missense variant. On other transcripts: non-coding transcript variant (1).
Genome position (GRCh38, 1-based): chr2:165,992,317, G>T on the plus strand (C>A on the coding strand, the complement: SCN1A is on the minus strand). VCF-style: chr2-165992317-G-T. GRCh37 (hg19) VCF-style: chr2-166848827-G-T.
Other names: c.4874C>A, p.Ala1625Glu (NM_001165964.3, NM_001353957.2, NM_001353958.2); c.4958C>A, p.Ala1653Glu (NM_001202435.3, NM_001353948.2); c.4925C>A, p.Ala1642Glu (NM_001353949.2, NM_001353950.2, NM_001353951.2 and 2 more transcripts); c.4922C>A, p.Ala1641Glu (NM_001353954.2, NM_001353955.2); c.4871C>A, p.Ala1624Glu (NM_001353960.2); c.2516C>A, p.Ala839Glu (NM_001353961.2); short protein forms A1624E, A1642E, A1641E, A1653E, A1625E, A839E.
Identifiers: ClinVar variation 1507625 (VCV001507625.7), dbSNP rs2105434461, ClinGen allele CA349070015.